The following is an entry in ClinVar:

ClinVar aggregate classification (germline): Pathogenic (1 of 4 stars; one submission).

Conditions:
Ocular cystinosis. Also called: Non-Nephropathic Cystinosis; Non-Nephropathic (Ocular) Cystinosis. Identifiers: Orphanet 213, Orphanet 411641, MedGen C2931013, MONDO:0009064, OMIM 219750.
Juvenile nephropathic cystinosis. Also called: Intermediate Cystinosis; CYSTINOSIS, LATE-ONSET JUVENILE OR ADOLESCENT NEPHROPATHIC TYPE; Later-Onset (Juvenile) Cystinosis. Identifiers: Orphanet 213, Orphanet 411634, MedGen C0268626, MONDO:0009066, OMIM 219900.
Inborn genetic diseases. Identifiers: MedGen C0950123, MeSH D030342.

Submission:

Labcorp Genetics (formerly Invitae), Labcorp
Classification: Pathogenic for Inborn genetic diseases; Ocular cystinosis; Juvenile nephropathic cystinosis. Last evaluated: 2023-09-21. Review status: criteria provided, single submitter. Criteria: Invitae Variant Classification Sherloc (09022015). Collection method: clinical testing. Allele origin: germline.
Comment: This premature translational stop signal has been observed in individual(s) with cystinosis (PMID: 30849045). This sequence change creates a premature translational stop signal (p.Gln92*) in the CTNS gene. It is expected to result in an absent or disrupted protein product. Loss-of-function variants in CTNS are known to be pathogenic (PMID: 9537412, 27102039). This variant is not present in population databases (gnomAD no frequency). ClinVar contains an entry for this variant (Variation ID: 1071434). Algorithms developed to predict the effect of sequence changes on RNA splicing suggest that this variant may disrupt the consensus splice site. For these reasons, this variant has been classified as Pathogenic.

Literature cited by the submitters: PubMed 30849045; PubMed 9537412; PubMed 27102039.

NM_004937.3(CTNS):c.274C>T (p.Gln92Ter)

Genes: CTNS (cystinosin, lysosomal cystine transporter; plus strand), CTNS-AS1 (CTNS antisense RNA 1; minus strand). Cytogenetic location: 17p13.2.
Variant type: single nucleotide variant.
Coding change: c.274C>T on transcript NM_004937.3 (MANE Select); coding-DNA position 274, C replaced by T.
Protein change: p.Gln92Ter; replaces glutamine 92 with a stop codon.
Molecular consequence: nonsense. On other transcripts: 5 prime UTR variant (4).
Genome position (GRCh38, 1-based): chr17:3,655,046, C>T. VCF-style: chr17-3655046-C-T. GRCh37 (hg19) VCF-style: chr17-3558340-C-T.
Other names: c.274C>T, p.Gln92Ter (NM_001031681.3, NM_001374492.1); c.-168C>T (NM_001374493.1, NM_001374494.1, NM_001374495.1 and 1 more transcripts); short protein forms Q92*.
Identifiers: ClinVar variation 1071434 (VCV001071434.11), dbSNP rs2150919035, ClinGen allele CA397690134.
Genomic context (GRCh38, chr17:3,655,046, plus strand): 5'-TCTTCCTAACAGGTTGTGGTGCCTCCTGGAGTGACAAACTCCTCTTTTCAAGTGACATCT[C>T]AAAATGTTGGACAACTTACTGTTTATCTACATGGAAATCACTCCAATCAGACCGGGTAGG-3'